The following is an entry in ClinVar:

ClinVar aggregate classification (germline): Uncertain significance (1 of 4 stars; one submission).

Conditions:
Dowling-Degos disease 2 (DDD2). Identifiers: Orphanet 79145, MedGen C3809147, MONDO:0014130, OMIM 615327.

Allele frequency attached by ClinVar (database versions not stated): ExAC 0.00001; gnomAD exomes 0.00002.
gnomAD v4.1: 11 of 1,614,142 alleles (0.00068%); highest among the groups gnomAD compares: Admixed American, 0.0067%; no homozygotes.

Submission:

Labcorp Genetics (formerly Invitae), Labcorp
Classification: Uncertain significance for Dowling-Degos disease 2. Last evaluated: 2020-06-30. Review status: criteria provided, single submitter. Criteria: Invitae Variant Classification Sherloc (09022015). Collection method: clinical testing. Allele origin: germline.
Comment: In summary, the available evidence is currently insufficient to determine the role of this variant in disease. Therefore, it has been classified as a Variant of Uncertain Significance. Algorithms developed to predict the effect of missense changes on protein structure and function (SIFT, PolyPhen-2, Align-GVGD) all suggest that this variant is likely to be tolerated, but these predictions have not been confirmed by published functional studies and their clinical significance is uncertain. This variant has not been reported in the literature in individuals with POFUT1-related conditions. This variant is present in population databases (rs748328963, ExAC 0.01%). This sequence change replaces methionine with valine at codon 262 of the POFUT1 protein (p.Met262Val). The methionine residue is highly conserved and there is a small physicochemical difference between methionine and valine.

NM_015352.2(POFUT1):c.784A>G (p.Met262Val)

Gene: POFUT1 (protein O-fucosyltransferase 1; plus strand). Cytogenetic location: 20q11.21.
Variant type: single nucleotide variant.
Coding change: c.784A>G on transcript NM_015352.2 (MANE Select); coding-DNA position 784, A replaced by G.
Protein change: p.Met262Val; replaces methionine 262 with valine.
Molecular consequence: missense variant.
Genome position (GRCh38, 1-based): chr20:32,230,867, A>G. VCF-style: chr20-32230867-A-G. GRCh37 (hg19) VCF-style: chr20-30818670-A-G.
Other names: short protein forms M262V.
Identifiers: ClinVar variation 1046967 (VCV001046967.8), dbSNP rs748328963, ClinGen allele CA9807390.